The following is an entry in ClinVar:

NM_000535.7(PMS2):c.371C>A (p.Thr124Asn)

Gene: PMS2 (PMS1 homolog 2, mismatch repair system component; minus strand). Cytogenetic location: 7p22.1.
Variant type: single nucleotide variant.
Coding change: c.371C>A on transcript NM_000535.7 (MANE Select); coding-DNA position 371, C replaced by A.
Protein change: p.Thr124Asn; replaces threonine 124 with asparagine.
Molecular consequence: missense variant. On other transcripts: 5 prime UTR variant (8), non-coding transcript variant (1).
Genome position (GRCh38, 1-based): chr7:6,002,619, G>T on the plus strand (C>A on the coding strand, the complement: PMS2 is on the minus strand). VCF-style: chr7-6002619-G-T. GRCh37 (hg19) VCF-style: chr7-6042250-G-T.
Other names: c.-35C>A (NM_001322003.2, NM_001322004.2, NM_001322005.2 and 3 more transcripts); c.371C>A, p.Thr124Asn (NM_001322006.2, NM_001322014.2); c.53C>A, p.Thr18Asn (NM_001322007.2, NM_001322008.2); c.-514C>A (NM_001322011.2, NM_001322012.2); c.62C>A, p.Thr21Asn (NM_001322015.2); short protein forms T124N, T18N, T21N.
Identifiers: ClinVar variation 999781 (VCV000999781.12), dbSNP rs1034709810, ClinGen allele CA153245355.

ClinVar aggregate classification (germline): Uncertain significance. Review status: criteria provided, multiple submitters, no conflicts (2 of 4 stars). 3 submissions from 3 submitters: Uncertain significance (3). Last evaluated 2024-09-22.

Conditions:
Hereditary nonpolyposis colorectal neoplasms. Identifiers: MedGen C0009405, MeSH D003123.
Hereditary cancer-predisposing syndrome. Also called: Neoplastic Syndromes, Hereditary; Tumor predisposition; Hereditary Cancer Syndrome; Hereditary neoplastic syndrome. Identifiers: Orphanet 140162, MedGen C0027672, MeSH D009386, MONDO:0015356.

Allele frequency attached by ClinVar (database versions not stated): gnomAD exomes below 0.00001; TOPMed 0.00001.
gnomAD v4.1: 1 of 1,611,700 alleles (0.000062%); highest among the groups gnomAD compares: African/African-American, 0.0013%; no homozygotes.

Submissions (3):

Labcorp Genetics (formerly Invitae), Labcorp
Classification: Uncertain significance for Hereditary nonpolyposis colorectal neoplasms. Last evaluated: 2024-09-22. Review status: criteria provided, single submitter. Criteria: Invitae Variant Classification Sherloc (09022015). Collection method: clinical testing. Allele origin: germline.
Comment: This sequence change replaces threonine, which is neutral and polar, with asparagine, which is neutral and polar, at codon 124 of the PMS2 protein (p.Thr124Asn). This variant is not present in population databases (gnomAD no frequency). This variant has not been reported in the literature in individuals affected with PMS2-related conditions. ClinVar contains an entry for this variant (Variation ID: 999781). Invitae Evidence Modeling of protein sequence and biophysical properties (such as structural, functional, and spatial information, amino acid conservation, physicochemical variation, residue mobility, and thermodynamic stability) indicates that this missense variant is expected to disrupt PMS2 protein function with a positive predictive value of 80%. In summary, the available evidence is currently insufficient to determine the role of this variant in disease. Therefore, it has been classified as a Variant of Uncertain Significance.

Sema4
Classification: Uncertain significance for Hereditary cancer-predisposing syndrome. Last evaluated: 2021-05-30. Review status: criteria provided, single submitter. Criteria: Sema4 Curation Guidelines. Collection method: curation. Allele origin: germline.
Comment: The PMS2 c.371C>A (p.T124N) variant has not been reported in the literature to our knowledge. This variant has not been observed in the large and broad cohorts of the Genome Aggregation Database (PMID: 32461654). This variant has been reported in ClinVar (Variation ID 999781). In silico tools suggest the impact of the variant on protein function is deleterious, though these predictions have not been confirmed by functional studies. The overall evidence is insufficient to meet ACMG/AMP criteria for classifying it as benign or pathogenic. In summary, the clinical significance of this variant is currently uncertain.

Ambry Genetics
Classification: Uncertain significance for Hereditary cancer-predisposing syndrome. Last evaluated: 2020-07-21. Review status: criteria provided, single submitter. Criteria: Ambry Variant Classification Scheme 2023. Collection method: clinical testing. Allele origin: germline.
Comment: The p.T124N variant (also known as c.371C>A), located in coding exon 5 of the PMS2 gene, results from a C to A substitution at nucleotide position 371. The threonine at codon 124 is replaced by asparagine, an amino acid with similar properties. This amino acid position is highly conserved in available vertebrate species. In addition, this alteration is predicted to be deleterious by in silico analysis. Since supporting evidence is limited at this time, the clinical significance of this alteration remains unclear.